The following is an entry in ClinVar:

NM_000316.3(PTH1R):c.557G>A (p.Arg186His)

Gene: PTH1R (parathyroid hormone 1 receptor; plus strand). Cytogenetic location: 3p21.31.
Variant type: single nucleotide variant.
Coding change: c.557G>A on transcript NM_000316.3 (MANE Select); coding-DNA position 557, G replaced by A.
Protein change: p.Arg186His; replaces arginine 186 with histidine.
Molecular consequence: missense variant.
Genome position (GRCh38, 1-based): chr3:46,898,391, G>A. VCF-style: chr3-46898391-G-A. GRCh37 (hg19) VCF-style: chr3-46939881-G-A.
Other names: c.557G>A, p.Arg186His (NM_001184744.1); short protein forms R186H.
Identifiers: ClinVar variation 1007997 (VCV001007997.5), dbSNP rs201499146, ClinGen allele CA73769470.
Genomic context (GRCh38, chr3:46,898,391, plus strand): 5'-TCCCTGGGTCCCAGGGCTCTGACTGTGTCTCCCCCCGCCCCGCACAGGAGGTGTTTGACC[G>A]CCTGGGCATGATTTACACCGTGGGCTACTCCGTGTCCCTGGCGTCCCTCACCGTAGCTGT-3'
Protein context (NP_000307.1, residues 176-196): NETREREVFD[Arg186His]LGMIYTVGYS

ClinVar aggregate classification (germline): Uncertain significance (1 of 4 stars; one submission).

Allele frequency attached by ClinVar (database versions not stated): TOPMed below 0.00001.

Submission:

Labcorp Genetics (formerly Invitae), Labcorp
Classification: Uncertain significance. Last evaluated: 2020-02-25. Review status: criteria provided, single submitter. Criteria: Invitae Variant Classification Sherloc (09022015). Collection method: clinical testing. Allele origin: germline.
Comment: In summary, the available evidence is currently insufficient to determine the role of this variant in disease. Therefore, it has been classified as a Variant of Uncertain Significance. Algorithms developed to predict the effect of missense changes on protein structure and function (SIFT, PolyPhen-2, Align-GVGD) all suggest that this variant is likely to be disruptive, but these predictions have not been confirmed by published functional studies and their clinical significance is uncertain. This variant has been observed in individual(s) with pseudohypoparathyroidism type 1b (PMID: 27415614). This variant is not present in population databases (ExAC no frequency). This sequence change replaces arginine with histidine at codon 186 of the PTH1R protein (p.Arg186His). The arginine residue is highly conserved and there is a small physicochemical difference between arginine and histidine.

Literature cited by the submitters: PubMed 27415614.